The following is an entry in ClinVar:

ClinVar aggregate classification (germline): Likely benign. Review status: criteria provided, multiple submitters, no conflicts (2 of 4 stars). 2 submissions from 2 submitters: Likely benign (2). Last evaluated 2025-06-12.

Conditions:
Genitopatellar syndrome (GTPTS). Also called: Genitopatellar syndrome (GPS); ABSENT PATELLAE, SCROTAL HYPOPLASIA, RENAL ANOMALIES, FACIAL DYSMORPHISM, AND MENTAL RETARDATION. Identifiers: Orphanet 85201, MedGen C1853566, MONDO:0011640, OMIM 606170.
KAT6B-related disorder. Also called: KAT6B-related disorders; KAT6B-related condition.

Submissions (2):

Labcorp Genetics (formerly Invitae), Labcorp
Classification: Likely benign for Genitopatellar syndrome. Last evaluated: 2025-06-12. Review status: criteria provided, single submitter. Criteria: Invitae Variant Classification Sherloc (09022015). Collection method: clinical testing. Allele origin: germline.

PreventionGenetics, part of Exact Sciences
Classification: Likely benign for KAT6B-related condition. Last evaluated: 2025-06-01. Review status: criteria provided, single submitter. Criteria: ACMG Guidelines, 2015. Collection method: clinical testing. Allele origin: germline.
Comment: This variant is classified as likely benign based on ACMG/AMP sequence variant interpretation guidelines (Richards et al. 2015 PMID: 25741868, with internal and published modifications).

NM_012330.4(KAT6B):c.3240GGAAGAAGAGGA[3] (p.Glu1086_Glu1089dup)

Gene: KAT6B (lysine acetyltransferase 6B; plus strand). Cytogenetic location: 10q22.2.
Variant type: Microsatellite.
Coding change: c.3240GGAAGAAGAGGA[3] on transcript NM_012330.4 (MANE Select); three copies in a row of the 12-base unit GGAAGAAGAGGA starting at c.3240; the reference has two copies in a row; one copy, 12 bases duplicated.
Protein change: p.Glu1086_Glu1089dup.
Molecular consequence: inframe insertion.
Genome position (GRCh38, 1-based): chr10:75,022,111-75,022,122, GGAAGAAGAGGA duplicated; duplicating any 12 consecutive bases within chr10:75,022,094-75,022,122 gives the same sequence; the position shown is the placement nearest the transcript's 3' end. VCF-style (leftmost placement, unchanged base first): chr10-75022093-G-GGAGGAGGAAGAA. GRCh37 (hg19) VCF-style: chr10-76781851-G-GGAGGAGGAAGAA.
Other names: c.2691GGAAGAAGAGGA[3], p.Glu903_Glu906dup (NM_001256468.2, NM_001370138.1); c.2364GGAAGAAGAGGA[3], p.Glu794_Glu797dup (NM_001256469.2, NM_001370139.1, NM_001370140.1 and 2 more transcripts); c.2202GGAAGAAGAGGA[3], p.Glu740_Glu743dup (NM_001370132.1); c.1551GGAAGAAGAGGA[3], p.Glu523_Glu526dup (NM_001370133.1); c.1155GGAAGAAGAGGA[3], p.Glu391_Glu394dup (NM_001370134.1); c.897GGAAGAAGAGGA[3], p.Glu305_Glu308dup (NM_001370135.1); c.3240GGAAGAAGAGGA[3], p.Glu1086_Glu1089dup (NM_001370136.1, NM_001370137.1); c.2175GGAAGAAGAGGA[3], p.Glu731_Glu734dup (NM_001370143.1, NM_001370144.1); and 1 more.
Identifiers: ClinVar variation 1663325 (VCV001663325.9), dbSNP rs201769534, ClinGen allele CA5564759.
Genomic context (GRCh38, chr10:75,022,093, plus strand): 5'-AGGGCAGCTGCTGGAGCTGTCTAAAGAGAGCAGTGAAGAAGAAGAGGAGGAGGAGGACGA[G>GGAGGAGGAAGAA]GAGGAGGAAGAAGAGGAGGAAGAAGAGGAAGAGGATGAAGAGGAGGAAGAAGAGGAAGAA-3'